The following is an entry in ClinVar:

ClinVar aggregate classification (germline): Uncertain significance (1 of 4 stars; one submission).

Conditions:
Melnick-Needles syndrome (MNS). Also called: MELNICK-NEEDLES OSTEODYSPLASTY; OSTEODYSPLASTY OF MELNICK AND NEEDLES; Melnick-Needles Syndrome (FLNA-MNS). Identifiers: Orphanet 2484, MedGen C0025237, MONDO:0010650, OMIM 309350.
Frontometaphyseal dysplasia (FMD1). Identifiers: Orphanet 1826, MedGen C0265293, MONDO:0015942.
Heterotopia, periventricular, X-linked dominant (PVNH1). Also called: PERIVENTRICULAR NODULAR HETEROTOPIA 1; X-linked periventricular heterotopia; PERIVENTRICULAR NODULAR HETEROTOPIA 4; HETEROTOPIA, PERIVENTRICULAR, 1. Identifiers: Orphanet 2149, Orphanet 82004, MedGen C1848213, MONDO:0010233, OMIM 300049.
Oto-palato-digital syndrome, type II (OPD2). Also called: FACIOPALATOOSSEOUS SYNDROME; OPD II SYNDROME; Otopalatodigital Syndrome, Type II; Otopalatodigital Syndrome Type 2 (FLNA-OPD2). Identifiers: Orphanet 669, Orphanet 90652, MedGen C1844696, MONDO:0010571, OMIM 304120.

gnomAD v4.1: 2 of 1,211,705 alleles (0.00017%); highest among the groups gnomAD compares: Non-Finnish European, 0.00022%; no homozygotes.

Submission:

Labcorp Genetics (formerly Invitae), Labcorp
Classification: Uncertain significance for Oto-palato-digital syndrome, type II; Heterotopia, periventricular, X-linked dominant; Frontometaphyseal dysplasia; Melnick-Needles syndrome. Last evaluated: 2024-07-22. Review status: criteria provided, single submitter. Criteria: Invitae Variant Classification Sherloc (09022015). Collection method: clinical testing. Allele origin: germline.
Comment: This sequence change replaces glycine, which is neutral and non-polar, with arginine, which is basic and polar, at codon 494 of the FLNA protein (p.Gly494Arg). This variant is not present in population databases (gnomAD no frequency). This variant has not been reported in the literature in individuals affected with FLNA-related conditions. Advanced modeling of protein sequence and biophysical properties (such as structural, functional, and spatial information, amino acid conservation, physicochemical variation, residue mobility, and thermodynamic stability) has been performed at Invitae for this missense variant, however the output from this modeling did not meet the statistical confidence thresholds required to predict the impact of this variant on FLNA protein function. In summary, the available evidence is currently insufficient to determine the role of this variant in disease. Therefore, it has been classified as a Variant of Uncertain Significance.

NM_001110556.2(FLNA):c.1480G>C (p.Gly494Arg)

Gene: FLNA (filamin A; minus strand). Cytogenetic location: Xq28.
Variant type: single nucleotide variant.
Coding change: c.1480G>C on transcript NM_001110556.2 (MANE Select); coding-DNA position 1480, G replaced by C.
Protein change: p.Gly494Arg; replaces glycine 494 with arginine.
Molecular consequence: missense variant.
Genome position (GRCh38, 1-based): chrX:154,365,436, C>G on the plus strand (G>C on the coding strand, the complement: FLNA is on the minus strand). VCF-style: chrX-154365436-C-G. GRCh37 (hg19) VCF-style: chrX-153593804-C-G.
Other names: c.1480G>C, p.Gly494Arg (NM_001456.4); short protein forms G494R.
Identifiers: ClinVar variation 3754014 (VCV003754014.2).